The following is an entry in ClinVar:

ClinVar aggregate classification (germline): Uncertain significance (1 of 4 stars; one submission).

Submission:

Labcorp Genetics (formerly Invitae), Labcorp
Classification: Uncertain significance. Last evaluated: 2022-07-24. Review status: criteria provided, single submitter. Criteria: Invitae Variant Classification Sherloc (09022015). Collection method: clinical testing. Allele origin: germline.
Comment: In summary, the available evidence is currently insufficient to determine the role of this variant in disease. Therefore, it has been classified as a Variant of Uncertain Significance. Experimental studies and prediction algorithms are not available or were not evaluated, and the functional significance of this variant is currently unknown. This variant has not been reported in the literature in individuals affected with SPTA1-related conditions. This variant is not present in population databases (gnomAD no frequency). This variant, c.491_505del, results in the deletion of 5 amino acid(s) of the SPTA1 protein (p.Val164_Ala168del), but otherwise preserves the integrity of the reading frame.

NM_003126.4(SPTA1):c.491_505del (p.Val164_Ala168del)

Gene: SPTA1 (spectrin alpha, erythrocytic 1; minus strand). Cytogenetic location: 1q23.1.
Variant type: Deletion.
Coding change: c.491_505del on transcript NM_003126.4 (MANE Select); coding-DNA positions 491 to 505, 15 bases deleted (TACAGGAGTGTGCTG).
Protein change: p.Val164_Ala168del.
Molecular consequence: inframe deletion.
Genome position (GRCh38, 1-based): chr1:158,681,553-158,681,567, CAGCACACTCCTGTA deleted on the plus strand (TACAGGAGTGTGCTG on the coding strand, the reverse complement: SPTA1 is on the minus strand); deleting any 15 consecutive bases within chr1:158,681,553-158,681,569 gives the same sequence; the c. name uses the placement nearest the transcript's 3' end. VCF-style (leftmost placement, unchanged base first): chr1-158681552-TCAGCACACTCCTGTA-T. GRCh37 (hg19) VCF-style: chr1-158651342-TCAGCACACTCCTGTA-T.
Identifiers: ClinVar variation 2019403 (VCV002019403.4), dbSNP rs2525355828, ClinGen allele CA2580061340.